The following is an entry in ClinVar:

ClinVar aggregate classification (germline): Pathogenic. Review status: criteria provided, single submitter (1 of 4 stars). 2 submissions from 2 submitters: Pathogenic (1). 1 of the submissions does not count toward it. Last evaluated 2025-02-23.

Conditions:
Familial thoracic aortic aneurysm and aortic dissection (TAAD). Also called: Thoracic aortic aneurysms and dissections. Identifiers: Orphanet 91387, MedGen C4707243, MONDO:0019625.
Marfan syndrome (MFS). Also called: Marfan syndrome type 1; Marfan syndrome, classic; Marfan's syndrome; FBN1-Related Marfan Syndrome; MARFAN SYNDROME, TYPE I. Identifiers: Orphanet 284963, Orphanet 558, MedGen C0024796, MONDO:0007947, OMIM 154700.

Submissions (2):

Labcorp Genetics (formerly Invitae), Labcorp
Classification: Pathogenic for Marfan syndrome; Familial thoracic aortic aneurysm and aortic dissection. Last evaluated: 2025-02-23. Review status: criteria provided, single submitter. Criteria: Invitae Variant Classification Sherloc (09022015). Collection method: clinical testing. Allele origin: germline.
Comment: This sequence change creates a premature translational stop signal (p.Asp1898Cysfs*29) in the FBN1 gene. It is expected to result in an absent or disrupted protein product. Loss-of-function variants in FBN1 are known to be pathogenic (PMID: 17657824, 19293843). This variant is not present in population databases (gnomAD no frequency). This variant has not been reported in the literature in individuals affected with FBN1-related conditions. ClinVar contains an entry for this variant (Variation ID: 549297). For these reasons, this variant has been classified as Pathogenic.

Center for Medical Genetics Ghent, University of Ghent
Classification: Pathogenic for Marfan syndrome. Last evaluated: 2017-11-07. Review status: no assertion criteria provided. Collection method: clinical testing. Allele origin: germline. Affected: yes. Not counted in ClinVar's aggregate classification.

Literature cited by the submitters: PubMed 17657824 (cited by Labcorp Genetics (formerly Invitae), Labcorp); PubMed 19293843 (cited by Labcorp Genetics (formerly Invitae), Labcorp).

NM_000138.5(FBN1):c.5688_5689del (p.Asp1898fs)

Gene: FBN1 (fibrillin 1; minus strand). Cytogenetic location: 15q21.1.
Variant type: Deletion.
Coding change: c.5688_5689del on transcript NM_000138.5 (MANE Select); coding-DNA positions 5688 to 5689, 2 bases deleted (AA; older notation c.5688_5689delAA).
Protein change: p.Asp1898fs; shifts the reading frame from aspartic acid 1898.
Molecular consequence: frameshift variant.
Genome position (GRCh38, 1-based): chr15:48,446,805-48,446,806, TT deleted on the plus strand (AA on the coding strand, the reverse complement: FBN1 is on the minus strand); deleting any 2 consecutive bases within chr15:48,446,805-48,446,807 gives the same sequence; the c. name uses the placement nearest the transcript's 3' end. VCF-style (leftmost placement, unchanged base first): chr15-48446804-CTT-C. GRCh37 (hg19) VCF-style: chr15-48739001-CTT-C.
Other names: short protein forms D1898fs.
Identifiers: ClinVar variation 549297 (VCV000549297.2), dbSNP rs1555395843, ClinGen allele CA658824296.